The following is an entry in ClinVar:

ClinVar aggregate classification (germline): Conflicting classifications of pathogenicity. Review status: criteria provided, conflicting classifications (1 of 4 stars). 3 submissions from 3 submitters: Uncertain significance (1); Likely benign (2). Last evaluated 2025-04-04.

Conditions:
Autosomal dominant Parkinson disease 8. Also called: LRRK2-Related Parkinson Disease; Parkinson disease 8; Parkinson disease 8, susceptibility to. Identifiers: Orphanet 411602, MedGen C1846862, MONDO:0011764, OMIM 607060.
Inborn genetic diseases. Identifiers: MedGen C0950123, MeSH D030342.

Allele frequency attached by ClinVar (database versions not stated): gnomAD exomes 0.00001 and 0.00005; ExAC 0.00007; 1000 Genomes Project 30x 0.00016; 1000 Genomes Project 0.00020; gnomAD 0.00020 and 0.00021; TOPMed 0.00025; ESP Exome Variant Server 0.00046.
gnomAD v4.1: 49 of 1,611,398 alleles (0.003%); highest among the groups gnomAD compares: African/African-American, 0.057%; no homozygotes.

Submissions (3):

Ambry Genetics
Classification: Uncertain significance for Inborn genetic diseases. Last evaluated: 2025-04-04. Review status: criteria provided, single submitter. Criteria: Ambry Variant Classification Scheme 2023. Collection method: clinical testing. Allele origin: germline.

Labcorp Genetics (formerly Invitae), Labcorp
Classification: Likely benign for Autosomal dominant Parkinson disease 8. Last evaluated: 2022-03-13. Review status: criteria provided, single submitter. Criteria: Invitae Variant Classification Sherloc (09022015). Collection method: clinical testing. Allele origin: germline.

Illumina Laboratory Services, Illumina
Classification: Likely benign for Autosomal dominant Parkinson disease 8. Last evaluated: 2018-01-13. Review status: criteria provided, single submitter. Criteria: ICSL Variant Classification Criteria 13 December 2019. Collection method: clinical testing. Allele origin: germline.
Comment: This variant was observed in the ICSL laboratory as part of a predisposition screen in an ostensibly healthy population. It had not been previously curated by ICSL or reported in the Human Gene Mutation Database (HGMD: prior to June 1st, 2018), and was therefore a candidate for classification through an automated scoring system. Utilizing variant allele frequency, disease prevalence and penetrance estimates, and inheritance mode, an automated score was calculated to assess if this variant is too frequent to cause the disease. Based on the score and internal cut-off values, a variant classified as likely benign is not then subjected to further curation. The score for this variant resulted in a classification of likely benign for this disease.

NM_198578.4(LRRK2):c.7036T>C (p.Tyr2346His)

Gene: LRRK2 (leucine rich repeat kinase 2; plus strand). Cytogenetic location: 12q12.
Variant type: single nucleotide variant.
Coding change: c.7036T>C on transcript NM_198578.4 (MANE Select); coding-DNA position 7036, T replaced by C.
Protein change: p.Tyr2346His; replaces tyrosine 2346 with histidine.
Molecular consequence: missense variant.
Genome position (GRCh38, 1-based): chr12:40,363,409, T>C. VCF-style: chr12-40363409-T-C. GRCh37 (hg19) VCF-style: chr12-40757211-T-C.
Other names: short protein forms Y2346H.
Identifiers: ClinVar variation 881738 (VCV000881738.9), dbSNP rs138264225, ClinGen allele CA6514838.